The following is an entry in ClinVar:

NM_001287491.2(TET3):c.5048G>A (p.Arg1683His)

Gene: TET3 (tet methylcytosine dioxygenase 3; plus strand). Cytogenetic location: 2p13.1.
Variant type: single nucleotide variant.
Coding change: c.5048G>A on transcript NM_001287491.2 (MANE Select); coding-DNA position 5048, G replaced by A.
Protein change: p.Arg1683His; replaces arginine 1683 with histidine.
Molecular consequence: missense variant.
Genome position (GRCh38, 1-based): chr2:74,101,836, G>A. VCF-style: chr2-74101836-G-A. GRCh37 (hg19) VCF-style: chr2-74328963-G-A.
Other names: c.4769G>A, p.Arg1590His (NM_001366022.1); short protein forms R1590H, R1683H.
Identifiers: ClinVar variation 3342622 (VCV003342622.2).

ClinVar aggregate classification (germline): Pathogenic (1 of 4 stars; one submission).

Submission:

GeneDx
Classification: Pathogenic. Last evaluated: 2024-11-06. Review status: criteria provided, single submitter. Criteria: GeneDx Variant Classification Process June 2021. Collection method: clinical testing. Allele origin: germline.
Comment: Not observed at significant frequency in large population cohorts (gnomAD); In silico analysis supports that this missense variant has a deleterious effect on protein structure/function; This variant is associated with the following publications: (PMID: 35904121, 34750377)